The following is an entry in ClinVar:

NM_005732.4(RAD50):c.382A>G (p.Ser128Gly)

Gene: RAD50 (RAD50 double strand break repair protein; plus strand). Cytogenetic location: 5q31.1.
Variant type: single nucleotide variant.
Coding change: c.382A>G on transcript NM_005732.4 (MANE Select); coding-DNA position 382, A replaced by G.
Protein change: p.Ser128Gly; replaces serine 128 with glycine.
Molecular consequence: missense variant.
Genome position (GRCh38, 1-based): chr5:132,579,333, A>G. VCF-style: chr5-132579333-A-G. GRCh37 (hg19) VCF-style: chr5-131915025-A-G.
Other names: short protein forms S128G.
Identifiers: ClinVar variation 1735326 (VCV001735326.2), dbSNP rs2479615463, ClinGen allele CA360933374.

ClinVar aggregate classification (germline): Uncertain significance (1 of 4 stars; one submission).

Conditions:
Hereditary cancer-predisposing syndrome. Also called: Neoplastic Syndromes, Hereditary; Tumor predisposition; Hereditary Cancer Syndrome; Hereditary neoplastic syndrome. Identifiers: Orphanet 140162, MedGen C0027672, MeSH D009386, MONDO:0015356.

Submission:

Ambry Genetics
Classification: Uncertain significance for Hereditary cancer-predisposing syndrome. Last evaluated: 2020-01-21. Review status: criteria provided, single submitter. Criteria: Ambry Variant Classification Scheme 2023. Collection method: clinical testing. Allele origin: germline.
Comment: The p.S128G variant (also known as c.382A>G), located in coding exon 4 of the RAD50 gene, results from an A to G substitution at nucleotide position 382. The serine at codon 128 is replaced by glycine, an amino acid with similar properties. This amino acid position is highly conserved in available vertebrate species. In addition, the in silico prediction for this alteration is inconclusive. Since supporting evidence is limited at this time, the clinical significance of this alteration remains unclear.